The following is an entry in ClinVar:

NM_002180.3(IGHMBP2):c.-49G>C

Gene: IGHMBP2 (immunoglobulin mu DNA binding protein 2; plus strand). Cytogenetic location: 11q13.3.
Variant type: single nucleotide variant.
Coding change: c.-49G>C on transcript NM_002180.3 (MANE Select); 49 bases upstream of the start codon, G replaced by C.
Molecular consequence: 5 prime UTR variant.
Genome position (GRCh38, 1-based): chr11:68,903,904, G>C. VCF-style: chr11-68903904-G-C. GRCh37 (hg19) VCF-style: chr11-68671372-G-C.
Identifiers: ClinVar variation 512775 (VCV000512775.1), dbSNP rs771526347, ClinGen allele CA658797693.

ClinVar aggregate classification (germline): Likely benign (1 of 4 stars; one submission).

gnomAD v4.1: 1 of 1,606,518 alleles (0.000062%); highest among the groups gnomAD compares: Non-Finnish European, 0.000085%; no homozygotes.

Submission:

GeneDx
Classification: Likely benign. Last evaluated: 2017-10-23. Review status: criteria provided, single submitter. Criteria: GeneDx Variant Classification (06012015). Collection method: clinical testing. Allele origin: germline. Affected: yes.
Comment: This variant is considered likely benign or benign based on one or more of the following criteria: it is a conservative change, it occurs at a poorly conserved position in the protein, it is predicted to be benign by multiple in silico algorithms, and/or has population frequency not consistent with disease.